The following is an entry in ClinVar:

NM_000064.4(C3):c.4156C>T (p.Leu1386Phe)

Gene: C3 (complement C3; minus strand). Cytogenetic location: 19p13.3.
Variant type: single nucleotide variant.
Coding change: c.4156C>T on transcript NM_000064.4 (MANE Select); coding-DNA position 4156, C replaced by T.
Protein change: p.Leu1386Phe; replaces leucine 1386 with phenylalanine.
Molecular consequence: missense variant.
Genome position (GRCh38, 1-based): chr19:6,684,404, G>A on the plus strand (C>T on the coding strand, the complement: C3 is on the minus strand). VCF-style: chr19-6684404-G-A. GRCh37 (hg19) VCF-style: chr19-6684415-G-A.
Other names: short protein forms L1386F.
Identifiers: ClinVar variation 2629153 (VCV002629153.1), dbSNP rs2512232092, ClinGen allele CA403616608.

ClinVar aggregate classification (germline): Uncertain significance (1 of 4 stars; one submission).

Conditions:
C3-related disorder. Also called: C3-related condition.

Allele frequency attached by ClinVar (database versions not stated): gnomAD exomes below 0.00001.
gnomAD v4.1: 3 of 1,613,936 alleles (0.00019%); highest among the groups gnomAD compares: Non-Finnish European, 0.00025%; no homozygotes.

Submission:

PreventionGenetics, part of Exact Sciences
Classification: Uncertain significance for C3-related condition. Last evaluated: 2023-03-08. Review status: criteria provided, single submitter. Criteria: ACMG Guidelines, 2015. Collection method: clinical testing. Allele origin: germline.
Comment: The C3 c.4156C>T variant is predicted to result in the amino acid substitution p.Leu1386Phe. To our knowledge, this variant has not been reported in the literature or in a large population database, indicating this variant is rare. At this time, the clinical significance of this variant is uncertain due to the absence of conclusive functional and genetic evidence.